The following is an entry in ClinVar:

ClinVar aggregate classification (germline): Likely benign (1 of 4 stars; one submission).

Allele frequency attached by ClinVar (database versions not stated): gnomAD exomes below 0.00001.
gnomAD v4.1: 1 of 1,613,606 alleles (0.000062%); highest among the groups gnomAD compares: Non-Finnish European, 0.000085%; no homozygotes.

Submission:

CeGaT Center for Human Genetics Tuebingen
Classification: Likely benign. Last evaluated: 2023-09-01. Review status: criteria provided, single submitter. Criteria: CeGaT Center For Human Genetics Tuebingen Variant Classification Criteria Version 2. Collection method: clinical testing. Allele origin: germline. Affected: yes. Observed: 1 variant allele.
Comment: GDAP2: PM2:Supporting, BP4, BP7

NM_017686.4(GDAP2):c.339A>G (p.Lys113=)

Gene: GDAP2 (ganglioside induced differentiation associated protein 2; minus strand). Cytogenetic location: 1p12.
Variant type: single nucleotide variant.
Coding change: c.339A>G on transcript NM_017686.4 (MANE Select); coding-DNA position 339, A replaced by G.
Protein change: p.Lys113=; no amino-acid change (lysine 113 retained).
Molecular consequence: synonymous variant.
Genome position (GRCh38, 1-based): chr1:117,912,661, T>C on the plus strand (A>G on the coding strand, the complement: GDAP2 is on the minus strand). VCF-style: chr1-117912661-T-C. GRCh37 (hg19) VCF-style: chr1-118455283-T-C.
Other names: c.339A>G, p.Lys113= (NM_001135589.3).
Identifiers: ClinVar variation 3026541 (VCV003026541.22), dbSNP rs1649900977, ClinGen allele CA419988737.